The following is an entry in ClinVar:

ClinVar aggregate classification (germline): Uncertain significance (1 of 4 stars; one submission).

Submission:

Labcorp Genetics (formerly Invitae), Labcorp
Classification: Uncertain significance. Last evaluated: 2025-07-22. Review status: criteria provided, single submitter. Criteria: Invitae Variant Classification Sherloc (09022015). Collection method: clinical testing. Allele origin: germline.
Comment: This sequence change replaces glutamic acid, which is acidic and polar, with glutamine, which is neutral and polar, at codon 112 of the GINS1 protein (p.Glu112Gln). This variant is not present in population databases (gnomAD no frequency). This variant has not been reported in the literature in individuals affected with GINS1-related conditions. ClinVar contains an entry for this variant (Variation ID: 3725032). An algorithm developed to predict the effect of missense changes on protein structure and function (PolyPhen-2) suggests that this variant is likely to be tolerated. In summary, the available evidence is currently insufficient to determine the role of this variant in disease. Therefore, it has been classified as a Variant of Uncertain Significance.

NM_021067.5(GINS1):c.334G>C (p.Glu112Gln)

Gene: GINS1 (GINS complex subunit 1; plus strand). Cytogenetic location: 20p11.21.
Variant type: single nucleotide variant.
Coding change: c.334G>C on transcript NM_021067.5 (MANE Select); coding-DNA position 334, G replaced by C.
Protein change: p.Glu112Gln; replaces glutamic acid 112 with glutamine.
Molecular consequence: missense variant. On other transcripts: non-coding transcript variant (1), intron variant (1).
Genome position (GRCh38, 1-based): chr20:25,425,214, G>C. VCF-style: chr20-25425214-G-C. GRCh37 (hg19) VCF-style: chr20-25405850-G-C.
Other names: c.79G>C, p.Glu27Gln (NM_001410831.1); c.330+7019G>C (NM_001410830.1); short protein forms E112Q, E27Q.
Identifiers: ClinVar variation 3725032 (VCV003725032.2).
Genomic context (GRCh38, chr20:25,425,214, plus strand): 5'-TTCAGTGTGTGCAAGTTTTCTTAGAATTTTGTCAAATGATCATCTCTATGTTTGCAGATG[G>C]AGTGGTTTAATAATTATAAAAGATCTCTTGCTACTTATATGAGGTCACTGGGAGGAGATG-3'
Protein context (NP_066545.3, residues 102-122): LRFHMAAEEM[Glu112Gln]WFNNYKRSLA